The following is an entry in ClinVar:

NM_001371928.1(AHDC1):c.3006T>A (p.Tyr1002Ter)

Gene: AHDC1 (AT-hook DNA binding motif containing 1; minus strand). Cytogenetic location: 1p36.11.
Variant type: single nucleotide variant.
Coding change: c.3006T>A on transcript NM_001371928.1 (MANE Select); coding-DNA position 3006, T replaced by A.
Protein change: p.Tyr1002Ter; replaces tyrosine 1002 with a stop codon.
Molecular consequence: nonsense.
Genome position (GRCh38, 1-based): chr1:27,549,110, A>T on the plus strand (T>A on the coding strand, the complement: AHDC1 is on the minus strand). VCF-style: chr1-27549110-A-T. GRCh37 (hg19) VCF-style: chr1-27875621-A-T.
Other names: c.3006T>A, p.Tyr1002Ter (NM_001029882.3); short protein forms Y1002*.
Identifiers: ClinVar variation 4254454 (VCV004254454.1).

ClinVar aggregate classification (germline): Pathogenic (1 of 4 stars; one submission).

Conditions:
Inborn genetic diseases. Identifiers: MedGen C0950123, MeSH D030342.

Submission:

Ambry Genetics
Classification: Pathogenic for Inborn genetic diseases. Last evaluated: 2025-06-20. Review status: criteria provided, single submitter. Criteria: Ambry Variant Classification Scheme 2023. Collection method: clinical testing. Allele origin: germline.
Comment: The c.3006T>A (p.Y1002*) alteration, located in exon 6 (coding exon 1) of the AHDC1 gene, consists of a T to A substitution at nucleotide position 3006. This changes the amino acid from a tyrosine (Y) to a stop codon at amino acid position 1002. This alteration is expected to result in loss of function by premature protein truncation or nonsense-mediated mRNA decay. This variant was not reported in population-based cohorts in the Genome Aggregation Database (gnomAD). Based on the available evidence, this alteration is classified as pathogenic.